The following is an entry in ClinVar:

ClinVar aggregate classification (germline): Uncertain significance. Review status: criteria provided, multiple submitters, no conflicts (2 of 4 stars). 2 submissions from 2 submitters: Uncertain significance (2). Last evaluated 2025-11-02.

Conditions:
Glomerulopathy with fibronectin deposits 2 (GFND2). Identifiers: Orphanet 84090, MedGen C1866075, MONDO:0011165, OMIM 601894.
Spondylometaphyseal dysplasia - Sutcliffe type. Also called: Sutcliffe type of spondylometaphyseal dysplasia; Sutcliffe SMD; Spondylometaphyseal dysplasia, 'corner fracture' type; Spondylometaphyseal Dysplasia, Corner Fracture Type. Identifiers: Orphanet 93315, MedGen C0432221, MONDO:0008479, OMIM 184255.

gnomAD v4.1: 15 of 1,613,656 alleles (0.00093%); highest among the groups gnomAD compares: South Asian, 0.014%; no homozygotes.

Submissions (2):

Labcorp Genetics (formerly Invitae), Labcorp
Classification: Uncertain significance. Last evaluated: 2025-11-02. Review status: criteria provided, single submitter. Criteria: Invitae Variant Classification Sherloc (09022015). Collection method: clinical testing. Allele origin: germline.
Comment: This sequence change replaces arginine, which is basic and polar, with cysteine, which is neutral and slightly polar, at codon 2001 of the FN1 protein (p.Arg2001Cys). This variant is present in population databases (rs538117654, gnomAD 0.02%). This variant has not been reported in the literature in individuals affected with FN1-related conditions. ClinVar contains an entry for this variant (Variation ID: 3585433). An algorithm developed to predict the effect of missense changes on protein structure and function (PolyPhen-2) suggests that this variant is likely to be disruptive. In summary, the available evidence is currently insufficient to determine the role of this variant in disease. Therefore, it has been classified as a Variant of Uncertain Significance.

Fulgent Genetics
Classification: Uncertain significance for Spondylometaphyseal dysplasia - Sutcliffe type; Glomerulopathy with fibronectin deposits 2. Last evaluated: 2024-06-10. Review status: criteria provided, single submitter. Criteria: ACMG Guidelines, 2015. Collection method: clinical testing. Allele origin: germline.

NM_212482.4(FN1):c.6001C>T (p.Arg2001Cys)

Genes: FN1 (fibronectin 1; minus strand), LOC126806496 (CDK7 strongly-dependent group 2 enhancer GRCh37_chr2:216240057-216241256; plus strand). Cytogenetic location: 2q35.
Variant type: single nucleotide variant.
Coding change: c.6001C>T on transcript NM_212482.4 (MANE Select); coding-DNA position 6001, C replaced by T.
Protein change: p.Arg2001Cys; replaces arginine 2001 with cysteine.
Molecular consequence: missense variant.
Genome position (GRCh38, 1-based): chr2:215,375,370, G>A on the plus strand (C>T on the coding strand, the complement: FN1 is on the minus strand). VCF-style: chr2-215375370-G-A. GRCh37 (hg19) VCF-style: chr2-216240093-G-A.
Other names: c.6001C>T, p.Arg2001Cys (NM_001306129.2); c.5731C>T, p.Arg1911Cys (NM_001306130.2, NM_001365517.2, NM_001365519.2 and 2 more transcripts); c.5458C>T, p.Arg1820Cys (NM_001306131.2, NM_001306132.2, NM_001365523.2 and 2 more transcripts); c.5728C>T, p.Arg1910Cys (NM_001365518.2, NM_001365520.2, NM_001365524.2 and 2 more transcripts); short protein forms R1911C, R1820C, R1910C, R2001C.
Identifiers: ClinVar variation 3585433 (VCV003585433.2).